The following is an entry in ClinVar:

NM_024915.4(GRHL2):c.454G>A (p.Val152Met)

Gene: GRHL2 (grainyhead like transcription factor 2; plus strand). Cytogenetic location: 8q22.3.
Variant type: single nucleotide variant.
Coding change: c.454G>A on transcript NM_024915.4 (MANE Select); coding-DNA position 454, G replaced by A.
Protein change: p.Val152Met; replaces valine 152 with methionine.
Molecular consequence: missense variant.
Genome position (GRCh38, 1-based): chr8:101,558,588, G>A. VCF-style: chr8-101558588-G-A. GRCh37 (hg19) VCF-style: chr8-102570816-G-A.
Other names: c.406G>A, p.Val136Met (NM_001330593.2); short protein forms V136M, V152M.
Identifiers: ClinVar variation 667118 (VCV000667118.26), dbSNP rs147703146, ClinGen allele CA4830301.

ClinVar aggregate classification (germline): Conflicting classifications of pathogenicity. Review status: criteria provided, conflicting classifications (1 of 4 stars). 5 submissions from 5 submitters: Uncertain significance (1); Likely benign (4). Last evaluated 2025-08-13.

Allele frequency attached by ClinVar (database versions not stated): 1000 Genomes Project 30x 0.00031; ExAC 0.00042; gnomAD exomes 0.00045 and 0.00075; gnomAD 0.00046 and 0.00047; TOPMed 0.00048; ESP Exome Variant Server 0.00123.
gnomAD v4.1: 1,156 of 1,614,112 alleles (0.072%); highest among the groups gnomAD compares: Non-Finnish European, 0.091%; 1 homozygote.

Submissions (5):

Labcorp Genetics (formerly Invitae), Labcorp
Classification: Uncertain significance. Last evaluated: 2025-08-13. Review status: criteria provided, single submitter. Criteria: Invitae Variant Classification Sherloc (09022015). Collection method: clinical testing. Allele origin: germline.
Comment: This sequence change replaces valine, which is neutral and non-polar, with methionine, which is neutral and non-polar, at codon 152 of the GRHL2 protein (p.Val152Met). This variant is present in population databases (rs147703146, gnomAD 0.08%), and has an allele count higher than expected for a pathogenic variant. This variant has not been reported in the literature in individuals affected with GRHL2-related conditions. ClinVar contains an entry for this variant (Variation ID: 667118). Invitae Evidence Modeling of protein sequence and biophysical properties (such as structural, functional, and spatial information, amino acid conservation, physicochemical variation, residue mobility, and thermodynamic stability) indicates that this missense variant is not expected to disrupt GRHL2 protein function with a negative predictive value of 80%. In summary, the available evidence is currently insufficient to determine the role of this variant in disease. Therefore, it has been classified as a Variant of Uncertain Significance.

CeGaT Center for Human Genetics Tuebingen
Classification: Likely benign. Last evaluated: 2025-03-01. Review status: criteria provided, single submitter. Criteria: CeGaT Center For Human Genetics Tuebingen Variant Classification Criteria Version 2. Collection method: clinical testing. Allele origin: germline. Affected: yes. Observed: 2 variant alleles.
Comment: GRHL2: BP4

Blueprint Genetics
Classification: Likely benign. Last evaluated: 2024-11-20. Review status: criteria provided, single submitter. Criteria: ACMG Guidelines, 2015. Collection method: clinical testing. Allele origin: germline.

GeneDx
Classification: Likely benign. Last evaluated: 2020-09-02. Review status: criteria provided, single submitter. Criteria: GeneDx Variant Classification Process June 2021. Collection method: clinical testing. Allele origin: germline. Affected: yes.

Laboratory for Molecular Medicine, Mass General Brigham Personalized Medicine
Classification: Likely benign. Last evaluated: 2018-09-13. Review status: criteria provided, single submitter. Criteria: LMM Criteria. Collection method: clinical testing. Allele origin: germline. Observed: 1 variant allele.
Comment: The p.Val152Met variant in GRHL2 is classified as likely benign based on lack of conservation and frequency. At least two mammals have methionine (Met) at this position and computational prediction tools predict that this variant does not i mpact the protein. It has also been identified in 0.08% (102/126640) of European chromosomes by gnomAD. ACMG/AMP Criteria app lied: BP4, BS1_Supporting.